The following is an entry in ClinVar:

ClinVar aggregate classification (germline): Conflicting classifications of pathogenicity. Review status: criteria provided, conflicting classifications (1 of 4 stars). 5 submissions from 5 submitters: Uncertain significance (1); Benign (1); Likely benign (3). Last evaluated 2025-12-24.

Conditions:
PIEZO1-related disorder. Also called: PIEZO1-related condition; PIEZO1-Related Disorders.
Inborn genetic diseases. Identifiers: MedGen C0950123, MeSH D030342.

Allele frequency attached by ClinVar (database versions not stated): gnomAD exomes 0.00028; gnomAD 0.00033 and 0.00036; ExAC 0.00034; 1000 Genomes Project 0.00040; TOPMed 0.00040; 1000 Genomes Project 30x 0.00062.
gnomAD v4.1: 188 of 1,550,178 alleles (0.012%); highest among the groups gnomAD compares: African/African-American, 0.092%; no homozygotes.

Submissions (5):

Labcorp Genetics (formerly Invitae), Labcorp
Classification: Benign. Last evaluated: 2025-12-24. Review status: criteria provided, single submitter. Criteria: Invitae Variant Classification Sherloc (09022015). Collection method: clinical testing. Allele origin: germline.

PreventionGenetics, part of Exact Sciences
Classification: Likely benign for PIEZO1-related condition. Last evaluated: 2025-11-30. Review status: criteria provided, single submitter. Criteria: ACMG Guidelines, 2015. Collection method: clinical testing. Allele origin: germline.
Comment: This variant is classified as likely benign based on ACMG/AMP sequence variant interpretation guidelines (Richards et al. 2015 PMID: 25741868, with internal and published modifications).

Ambry Genetics
Classification: Likely benign for Inborn genetic diseases. Last evaluated: 2023-02-14. Review status: criteria provided, single submitter. Criteria: Ambry Variant Classification Scheme 2023. Collection method: clinical testing. Allele origin: germline.

Mayo Clinic Laboratories, Mayo Clinic
Classification: Uncertain significance. Last evaluated: 2022-05-23. Review status: criteria provided, single submitter. Criteria: ACMG Guidelines, 2015. Collection method: clinical testing. Allele origin: germline. Observed: 1 variant allele.
Comment: BP4_strong

ARUP Laboratories, Molecular Genetics and Genomics, ARUP Laboratories
Classification: Likely benign. Last evaluated: 2021-08-06. Review status: criteria provided, single submitter. Criteria: ARUP Molecular Germline Variant Investigation Process 2021. Collection method: clinical testing. Allele origin: germline.

NM_001142864.4(PIEZO1):c.2590G>A (p.Val864Ile)

Genes: HSALR1 (HSP90AB1 associated lncRNA 1; plus strand), PIEZO1 (piezo type mechanosensitive ion channel component 1 (Er blood group); minus strand). Cytogenetic location: 16q24.3.
Variant type: single nucleotide variant.
Coding change: c.2590G>A on transcript NM_001142864.4 (MANE Select); coding-DNA position 2590, G replaced by A.
Protein change: p.Val864Ile; replaces valine 864 with isoleucine.
Molecular consequence: missense variant.
Genome position (GRCh38, 1-based): chr16:88,733,352, C>T on the plus strand (G>A on the coding strand, the complement: PIEZO1 is on the minus strand). VCF-style: chr16-88733352-C-T. GRCh37 (hg19) VCF-style: chr16-88799760-C-T.
Other names: p.Val864Ile; c.2590G>A (NM_001142864.3, NM_001142864.2); short protein forms V864I.
Identifiers: ClinVar variation 1330748 (VCV001330748.14), dbSNP rs565096713, ClinGen allele CA8232745.